The following is an entry in ClinVar:

ClinVar aggregate classification (germline): Uncertain significance. Review status: criteria provided, multiple submitters, no conflicts (2 of 4 stars). 3 submissions from 3 submitters: Uncertain significance (3). Last evaluated 2026-05-12.

Conditions:
Charcot-Marie-Tooth disease, type I (CMT1). Also called: Charcot-Marie-Tooth disease type 1; Charcot-Marie-Tooth, Type 1. Identifiers: Orphanet 65753, MedGen C0751036, MONDO:0019011.
EGR2-related disorder. Also called: EGR2-related condition.

Allele frequency attached by ClinVar (database versions not stated): gnomAD exomes below 0.00001 and 0.00001; ExAC 0.00001; gnomAD 0.00001; TOPMed 0.00001.

Submissions (3):

PreventionGenetics, part of Exact Sciences
Classification: Uncertain significance for EGR2-related condition. Last evaluated: 2026-05-12. Review status: criteria provided, single submitter. Criteria: ACMG Guidelines, 2015. Collection method: clinical testing. Allele origin: germline.
Comment: The EGR2 c.1284C>A variant is predicted to result in the amino acid substitution p.Ser428Arg. To our knowledge, this variant has not been reported in the literature. This variant is reported in 0.00090% of alleles in individuals of European (non-Finnish) descent in gnomAD. At this time, the clinical significance of this variant is uncertain due to the absence of conclusive functional and genetic evidence.

Labcorp Genetics (formerly Invitae), Labcorp
Classification: Uncertain significance for Charcot-Marie-Tooth disease, type I. Last evaluated: 2025-10-02. Review status: criteria provided, single submitter. Criteria: Invitae Variant Classification Sherloc (09022015). Collection method: clinical testing. Allele origin: germline.
Comment: This sequence change replaces serine, which is neutral and polar, with arginine, which is basic and polar, at codon 428 of the EGR2 protein (p.Ser428Arg). This variant is present in population databases (rs754485850, gnomAD 0.0009%). This variant has not been reported in the literature in individuals affected with EGR2-related conditions. ClinVar contains an entry for this variant (Variation ID: 1462789). Invitae Evidence Modeling of protein sequence and biophysical properties (such as structural, functional, and spatial information, amino acid conservation, physicochemical variation, residue mobility, and thermodynamic stability) indicates that this missense variant is not expected to disrupt EGR2 protein function with a negative predictive value of 80%. In summary, the available evidence is currently insufficient to determine the role of this variant in disease. Therefore, it has been classified as a Variant of Uncertain Significance.

GeneDx
Classification: Uncertain significance. Last evaluated: 2025-02-19. Review status: criteria provided, single submitter. Criteria: GeneDx Variant Classification Process June 2021. Collection method: clinical testing. Allele origin: germline. Affected: yes.
Comment: Not observed at significant frequency in large population cohorts (gnomAD); In silico analysis indicates that this missense variant does not alter protein structure/function; Has not been previously published as pathogenic or benign to our knowledge

NM_000399.5(EGR2):c.1284C>A (p.Ser428Arg)

Gene: EGR2 (early growth response 2; minus strand). Cytogenetic location: 10q21.3.
Variant type: single nucleotide variant.
Coding change: c.1284C>A on transcript NM_000399.5 (MANE Select); coding-DNA position 1284, C replaced by A.
Protein change: p.Ser428Arg; replaces serine 428 with arginine.
Molecular consequence: missense variant.
Genome position (GRCh38, 1-based): chr10:62,813,354, G>T on the plus strand (C>A on the coding strand, the complement: EGR2 is on the minus strand). VCF-style: chr10-62813354-G-T. GRCh37 (hg19) VCF-style: chr10-64573114-G-T.
Other names: c.1284C>A, p.Ser428Arg (NM_001136177.3, NM_001136178.2); c.1134C>A, p.Ser378Arg (NM_001136179.3, NM_001321037.2); c.1284C>A (NM_000399.4, NM_000399.3); short protein forms S378R, S428R.
Identifiers: ClinVar variation 1462789 (VCV001462789.10), dbSNP rs754485850, ClinGen allele CA5517162.
Genomic context (GRCh38, chr10:62,813,354, plus strand): 5'-CTGCACGCCCCCAGAGCAGGAGGCTGTAGAGGGGGCTGGCACCGATGCAGAGGGGGCACT[G>T]CTTTTCCGCTCTTTCTGTCTCAGGTGGATCTTGGTGTGGCGCTTCCTCTCATCACTCCGG-3'
Protein context (NP_000390.2, residues 418-438): KIHLRQKERK[Ser428Arg]SAPSASVPAP